The following is an entry in ClinVar:

ClinVar aggregate classification (germline): Uncertain significance (1 of 4 stars; one submission).

Conditions:
Spermatogenic failure 56. Identifiers: MedGen C5561978, MONDO:0030430, OMIM 619515.

Allele frequency attached by ClinVar (database versions not stated): gnomAD exomes below 0.00001; ExAC 0.00001; gnomAD 0.00003 and 0.00005; TOPMed 0.00004; ESP Exome Variant Server 0.00008.
gnomAD v4.1: 18 of 1,613,712 alleles (0.0011%); highest among the groups gnomAD compares: Admixed American, 0.01%; no homozygotes.

Submission:

SIB Swiss Institute of Bioinformatics
Classification: Uncertain significance for Spermatogenic failure 56. Last evaluated: 2022-03-15. Review status: criteria provided, single submitter. Criteria: ACMG Guidelines, 2015. Collection method: curation. Allele origin: unknown.
Comment: This variant is interpreted as a variant of uncertain significance for Spermatogenic failure 56, autosomal recessive. The following ACMG Tag(s) were applied: Absent from controls (or at extremely low frequency if recessive) in Exome Sequencing Project, 1000 Genomes Project, or Exome Aggregation Consortium (PM2); Multiple lines of computational evidence support a deleterious effect on the gene or gene product (PP3).

Literature cited by the submitters: PubMed 34237282.

NM_001372106.1(DNAH10):c.6017G>A (p.Arg2006Gln)

Gene: DNAH10 (dynein axonemal heavy chain 10; plus strand). Cytogenetic location: 12q24.31.
Variant type: single nucleotide variant.
Coding change: c.6017G>A on transcript NM_001372106.1 (MANE Select); coding-DNA position 6017, G replaced by A.
Protein change: p.Arg2006Gln; replaces arginine 2006 with glutamine.
Molecular consequence: missense variant.
Genome position (GRCh38, 1-based): chr12:123,848,797, G>A. VCF-style: chr12-123848797-G-A. GRCh37 (hg19) VCF-style: chr12-124333344-G-A.
Other names: c.5663G>A, p.Arg1888Gln (NM_207437.3); short protein forms R1888Q, R2006Q.
Identifiers: ClinVar variation 1526395 (VCV001526395.1), dbSNP rs369904884, ClinGen allele CA6864041.